The following is an entry in ClinVar:

ClinVar aggregate classification (germline): Uncertain significance (1 of 4 stars; one submission).

Submission:

CeGaT Center for Human Genetics Tuebingen
Classification: Uncertain significance. Last evaluated: 2023-03-01. Review status: criteria provided, single submitter. Criteria: CeGaT Center For Human Genetics Tuebingen Variant Classification Criteria Version 2. Collection method: clinical testing. Allele origin: germline. Affected: yes. Observed: 1 variant allele.
Comment: CLCN3: PM2, PP2, PP3

NM_001829.4(CLCN3):c.928A>G (p.Lys310Glu)

Gene: CLCN3 (Cl-/H+ antiporter 3; plus strand). Cytogenetic location: 4q33.
Variant type: single nucleotide variant.
Coding change: c.928A>G on transcript NM_001829.4 (MANE Select); coding-DNA position 928, A replaced by G.
Protein change: p.Lys310Glu; replaces lysine 310 with glutamic acid.
Molecular consequence: missense variant.
Genome position (GRCh38, 1-based): chr4:169,692,312, A>G. VCF-style: chr4-169692312-A-G. GRCh37 (hg19) VCF-style: chr4-170613463-A-G.
Other names: c.928A>G, p.Lys310Glu (NM_001243372.2, NM_173872.4); c.847A>G, p.Lys283Glu (NM_001243374.2); short protein forms K283E, K310E.
Identifiers: ClinVar variation 2655185 (VCV002655185.24), dbSNP rs2477024475, ClinGen allele CA358738267.
Genomic context (GRCh38, chr4:169,692,312, plus strand): 5'-TGTTGCTGCGGAAATATCTTTTCCTACCTCTTTCCAAAGTATAGCACAAACGAAGCTAAA[A>G]AAAGGGAGGTAAGTGTCTTTTGTAGTTAATTTGACTGAAAAATATATATTATATAGTATT-3'
Protein context (NP_001820.2, residues 300-320): FPKYSTNEAK[Lys310Glu]REVLSAASAA